The following is an entry in ClinVar:

ClinVar aggregate classification (germline): Benign. Review status: criteria provided, multiple submitters, no conflicts (2 of 4 stars). 12 submissions from 12 submitters: Benign (9). 3 of the submissions do not count toward it. Last evaluated 2026-02-04.

Conditions:
Cardiovascular phenotype. Identifiers: MedGen CN230736.
Brittle cornea syndrome 1 (BCS1). Also called: DYSGENESIS MESODERMALIS CORNEAE ET SCLERAE; Corneal fragility keratoglobus, blue sclerae AND joint hypermobility; CORNEAL FRAGILITY, KERATOGLOBUS, BLUE SCLERAE, JOINT HYPEREXTENSIBILITY; EDS6B; FRAGILITAS OCULI WITH JOINT HYPEREXTENSIBILITY. Identifiers: Orphanet 90354, MedGen C0268344, MONDO:0024543, OMIM 229200.

Allele frequency attached by ClinVar (database versions not stated): gnomAD 0.84448 and 0.85130; TOPMed 0.84594; 1000 Genomes Project 30x 0.84978; 1000 Genomes Project 0.85503; gnomAD exomes 0.92792.
gnomAD v4.1: 1,426,365 of 1,550,044 alleles (92%); highest among the groups gnomAD compares: South Asian, 97%; 659,806 homozygotes.

Submissions (12):

Labcorp Genetics (formerly Invitae), Labcorp
Classification: Benign. Last evaluated: 2026-02-04. Review status: criteria provided, single submitter. Criteria: Invitae Variant Classification Sherloc (09022015). Collection method: clinical testing. Allele origin: germline.

Women's Health and Genetics/Laboratory Corporation of America, LabCorp
Classification: Benign. Last evaluated: 2025-10-13. Review status: criteria provided, single submitter. Criteria: LabCorp Variant Classification Summary - May 2015. Collection method: clinical testing. Allele origin: germline.

Blueprint Genetics
Classification: Benign. Last evaluated: 2024-11-27. Review status: criteria provided, single submitter. Criteria: ACMG Guidelines, 2015. Collection method: clinical testing. Allele origin: germline.

Mayo Clinic Laboratories, Mayo Clinic
Classification: Benign. Last evaluated: 2022-04-26. Review status: criteria provided, single submitter. Criteria: ACMG Guidelines, 2015. Collection method: clinical testing. Allele origin: germline. Observed: 3,069 variant alleles.

Genome-Nilou Lab
Classification: Benign for Brittle cornea syndrome 1. Last evaluated: 2021-12-05. Review status: criteria provided, single submitter. Criteria: ACMG Guidelines, 2015. Collection method: clinical testing. Allele origin: germline. Affected: no.

Ambry Genetics
Classification: Benign for Cardiovascular phenotype. Last evaluated: 2018-12-04. Review status: criteria provided, single submitter. Criteria: Ambry Variant Classification Scheme 2023. Collection method: clinical testing. Allele origin: germline.

GeneDx
Classification: Benign. Last evaluated: 2016-09-29. Review status: criteria provided, single submitter. Criteria: GeneDx Variant Classification (06012015). Collection method: clinical testing. Allele origin: germline. Affected: yes.
Comment: This variant is considered likely benign or benign based on one or more of the following criteria: it is a conservative change, it occurs at a poorly conserved position in the protein, it is predicted to be benign by multiple in silico algorithms, and/or has population frequency not consistent with disease.

Eurofins Ntd Llc (ga)
Classification: Benign. Last evaluated: 2014-07-14. Review status: criteria provided, single submitter. Criteria: EGL Classification Definitions 2015. Collection method: clinical testing. Allele origin: germline. Observed: 2 variant alleles, 2 homozygotes.

Breakthrough Genomics
Classification: Benign. Review status: criteria provided, single submitter. Criteria: ACMG Guidelines, 2015. Collection method: not provided. Allele origin: germline. Inheritance: Autosomal recessive inheritance. Affected: yes.

Genome Diagnostics Laboratory, Amsterdam University Medical Center
Classification: Benign for Brittle cornea syndrome 1. Last evaluated: 2016-01-15. Review status: no assertion criteria provided. Criteria: ACGS Guidelines, 2013. Collection method: clinical testing. Allele origin: germline. Affected: yes. Study: VKGL Data-share Consensus. Not counted in ClinVar's aggregate classification.

Diagnostic Laboratory, Department of Genetics, University Medical Center Groningen
Classification: Benign for Brittle cornea syndrome 1. Review status: no assertion criteria provided. Collection method: clinical testing. Allele origin: germline. Affected: yes. Study: VKGL Data-share Consensus. Not counted in ClinVar's aggregate classification.

Joint Genome Diagnostic Labs from Nijmegen and Maastricht, Radboudumc and MUMC+
Classification: Benign. Review status: no assertion criteria provided. Collection method: clinical testing. Allele origin: germline. Affected: yes. Study: VKGL Data-share Consensus. Not counted in ClinVar's aggregate classification.

NM_001367624.2(ZNF469):c.1098A>C (p.Arg366Ser)

Gene: ZNF469 (zinc finger protein 469; plus strand). Cytogenetic location: 16q24.2.
Variant type: single nucleotide variant.
Coding change: c.1098A>C on transcript NM_001367624.2 (MANE Select); coding-DNA position 1098, A replaced by C.
Protein change: p.Arg366Ser; replaces arginine 366 with serine.
Molecular consequence: missense variant.
Genome position (GRCh38, 1-based): chr16:88,428,568, A>C. VCF-style: chr16-88428568-A-C. GRCh37 (hg19) VCF-style: chr16-88494976-A-C.
Other names: NM_001127464.1:c.1098A>C; p.Arg366Ser; short protein forms R366S.
Identifiers: ClinVar variation 193178 (VCV000193178.26), dbSNP rs11640794, ClinGen allele CA200380.
Genomic context (GRCh38, chr16:88,428,568, plus strand): 5'-CCGCCACAGCGACCTCAGTGGTGCCCTCTCTTCCCCTGGAGCTGCTCACTCGGCCCCGAG[A>C]CCCTTCTCTGACAGTTTACACAAGAGCCTGACCAAAATCCTTCCCGAAAGACCACCTTCA-3'
Protein context (NP_001354553.1, residues 356-376): SSPGAAHSAP[Arg366Ser]PFSDSLHKSL